The following is an entry in ClinVar:

ClinVar aggregate classification (germline): Uncertain significance (1 of 4 stars; one submission).

Conditions:
Duchenne muscular dystrophy (DMD). Also called: Duchenne Muscular Dystrophy (DMD); MUSCULAR DYSTROPHY, PSEUDOHYPERTROPHIC PROGRESSIVE, DUCHENNE TYPE. Identifiers: Orphanet 98896, MedGen C0013264, MONDO:0010679, OMIM 310200.

Submission:

Labcorp Genetics (formerly Invitae), Labcorp
Classification: Uncertain significance for Duchenne muscular dystrophy. Last evaluated: 2025-08-26. Review status: criteria provided, single submitter. Criteria: Invitae Variant Classification Sherloc (09022015). Collection method: clinical testing. Allele origin: germline.
Comment: This sequence change replaces isoleucine, which is neutral and non-polar, with methionine, which is neutral and non-polar, at codon 2510 of the DMD protein (p.Ile2510Met). This variant is not present in population databases (gnomAD no frequency). This variant has not been reported in the literature in individuals affected with DMD-related conditions. Invitae Evidence Modeling of protein sequence and biophysical properties (such as structural, functional, and spatial information, amino acid conservation, physicochemical variation, residue mobility, and thermodynamic stability) indicates that this missense variant is not expected to disrupt DMD protein function with a negative predictive value of 95%. In summary, the available evidence is currently insufficient to determine the role of this variant in disease. Therefore, it has been classified as a Variant of Uncertain Significance.

NM_004006.3(DMD):c.7530C>G (p.Ile2510Met)

Gene: DMD (dystrophin; minus strand). Cytogenetic location: Xp21.1.
Variant type: single nucleotide variant.
Coding change: c.7530C>G on transcript NM_004006.3 (MANE Select); coding-DNA position 7530, C replaced by G.
Protein change: p.Ile2510Met; replaces isoleucine 2510 with methionine.
Molecular consequence: missense variant.
Genome position (GRCh38, 1-based): chrX:31,773,972, G>C on the plus strand (C>G on the coding strand, the complement: DMD is on the minus strand). VCF-style: chrX-31773972-G-C. GRCh37 (hg19) VCF-style: chrX-31792089-G-C.
Other names: c.7506C>G, p.Ile2502Met (NM_000109.4); c.7518C>G, p.Ile2506Met (NM_004009.3); c.7161C>G, p.Ile2387Met (NM_004010.3); c.3507C>G, p.Ile1169Met (NM_004011.4); c.3498C>G, p.Ile1166Met (NM_004012.4); c.150C>G, p.Ile50Met (NM_004013.3, NM_004020.4, NM_004021.3 and 2 more transcripts); short protein forms I1166M, I1169M, I2387M, I2502M, I2506M, I2510M, I50M.
Identifiers: ClinVar variation 4800947 (VCV004800947.1).